The following is an entry in ClinVar:

ClinVar aggregate classification (germline): Conflicting classifications of pathogenicity. Review status: criteria provided, conflicting classifications (1 of 4 stars). 2 submissions from 2 submitters: Uncertain significance (1); Benign (1). Last evaluated 2022-11-01.

Conditions:
Landau-Kleffner syndrome (FESD). Also called: EPILEPSY, FOCAL, WITH SPEECH DISORDER AND WITH OR WITHOUT MENTAL RETARDATION; APHASIA, ACQUIRED, WITH EPILEPSY. Identifiers: Orphanet 1945, Orphanet 725, Orphanet 98818, MedGen C0282512, MONDO:0009509, OMIM 245570.

Allele frequency attached by ClinVar (database versions not stated): gnomAD 0.00020 and 0.00012; gnomAD exomes 0.00019; TOPMed 0.00012; 1000 Genomes Project 30x 0.00016.
gnomAD v4.1: 43 of 203,630 alleles (0.021%); highest among the groups gnomAD compares: Middle Eastern, 0.48%; no homozygotes.

Submissions (2):

CeGaT Center for Human Genetics Tuebingen
Classification: Benign. Last evaluated: 2022-11-01. Review status: criteria provided, single submitter. Criteria: CeGaT Center For Human Genetics Tuebingen Variant Classification Criteria Version 2. Collection method: clinical testing. Allele origin: germline. Affected: yes. Observed: 4 variant alleles.
Comment: GRIN2A: BS1, BS2

Illumina Laboratory Services, Illumina
Classification: Uncertain significance for Landau-Kleffner syndrome. Last evaluated: 2018-01-13. Review status: criteria provided, single submitter. Criteria: ICSL Variant Classification Criteria 13 December 2019. Collection method: clinical testing. Allele origin: germline.

NM_001134407.3(GRIN2A):c.*7289T>A

Gene: GRIN2A (glutamate ionotropic receptor NMDA type subunit 2A; minus strand). Cytogenetic location: 16p13.2.
Variant type: single nucleotide variant.
Coding change: c.*7289T>A on transcript NM_001134407.3 (MANE Select); 7289 bases downstream of the stop codon, T replaced by A.
Molecular consequence: 3 prime UTR variant.
Genome position (GRCh38, 1-based): chr16:9,755,860, A>T on the plus strand (T>A on the coding strand, the complement: GRIN2A is on the minus strand). VCF-style: chr16-9755860-A-T. GRCh37 (hg19) VCF-style: chr16-9849717-A-T.
Other names: c.*7289T>A (NM_000833.5); c.*7495T>A (NM_001134408.2).
Identifiers: ClinVar variation 321487 (VCV000321487.36), dbSNP rs868376839, ClinGen allele CA10648454.
Genomic context (GRCh38, chr16:9,755,860, plus strand): 5'-GTCATTATCCTAATGCTAAGTGAGCCGGGAATTATCTCTAAGACAATTTGGAAAAGAAAA[A>T]AAAAAAGGAACAGACCAAGAAGGAAAACAACAACAACATTTTAATAGCTGGTCCTCAATC-3'